The following is an entry in ClinVar:

ClinVar aggregate classification (germline): Uncertain significance (1 of 4 stars; one submission).

Submission:

Labcorp Genetics (formerly Invitae), Labcorp
Classification: Uncertain significance. Last evaluated: 2022-03-13. Review status: criteria provided, single submitter. Criteria: Invitae Variant Classification Sherloc (09022015). Collection method: clinical testing. Allele origin: germline.
Comment: This sequence change replaces arginine, which is basic and polar, with leucine, which is neutral and non-polar, at codon 47 of the LRAT protein (p.Arg47Leu). This variant is not present in population databases (gnomAD no frequency). This variant has not been reported in the literature in individuals affected with LRAT-related conditions. Algorithms developed to predict the effect of missense changes on protein structure and function are either unavailable or do not agree on the potential impact of this missense change (SIFT: "Deleterious"; PolyPhen-2: "Probably Damaging"; Align-GVGD: "Class C0"). In summary, the available evidence is currently insufficient to determine the role of this variant in disease. Therefore, it has been classified as a Variant of Uncertain Significance.

NM_004744.5(LRAT):c.140G>T (p.Arg47Leu)

Gene: LRAT (lecithin retinol acyltransferase; plus strand). Cytogenetic location: 4q32.1.
Variant type: single nucleotide variant.
Coding change: c.140G>T on transcript NM_004744.5 (MANE Select); coding-DNA position 140, G replaced by T.
Protein change: p.Arg47Leu; replaces arginine 47 with leucine.
Molecular consequence: missense variant.
Genome position (GRCh38, 1-based): chr4:154,744,466, G>T. VCF-style: chr4-154744466-G-T. GRCh37 (hg19) VCF-style: chr4-155665618-G-T.
Other names: c.140G>T, p.Arg47Leu (NM_001301645.2); short protein forms R47L.
Identifiers: ClinVar variation 2111050 (VCV002111050.4), dbSNP rs892797111, ClinGen allele CA358630066.